The following is an entry in ClinVar:

ClinVar aggregate classification (germline): Pathogenic (1 of 4 stars; one submission).

Submission:

Labcorp Genetics (formerly Invitae), Labcorp
Classification: Pathogenic. Last evaluated: 2022-02-21. Review status: criteria provided, single submitter. Criteria: Invitae Variant Classification Sherloc (09022015). Collection method: clinical testing. Allele origin: germline.
Comment: This sequence change creates a premature translational stop signal (p.Arg263Lysfs*19) in the CYP19A1 gene. It is expected to result in an absent or disrupted protein product. Loss-of-function variants in CYP19A1 are known to be pathogenic (PMID: 14602738, 27086564, 27256151). This variant is not present in population databases (gnomAD no frequency). This variant has not been reported in the literature in individuals affected with CYP19A1-related conditions. For these reasons, this variant has been classified as Pathogenic.

Literature cited by the submitters: PubMed 14602738; PubMed 27086564; PubMed 27256151.

NM_000103.4(CYP19A1):c.787dup (p.Arg263fs)

Genes: CYP19A1 (cytochrome P450 family 19 subfamily A member 1; minus strand), MIR4713HG (MIR4713 host gene; plus strand), PIRC66 (piwi-interacting RNA cluster 66; plus strand). Cytogenetic location: 15q21.2.
Variant type: Duplication.
Coding change: c.787dup on transcript NM_000103.4 (MANE Select); coding-DNA position 787, one base duplicated (A; older notation c.787dupA).
Protein change: p.Arg263fs; shifts the reading frame from arginine 263.
Molecular consequence: frameshift variant.
Genome position (GRCh38, 1-based): chr15:51,215,774, T duplicated on the plus strand (A on the coding strand, the reverse complement: CYP19A1 is on the minus strand); the first of 6 consecutive T bases (chr15:51,215,774-51,215,779); duplicating any one gives the same sequence. VCF-style (leftmost placement, unchanged base first): chr15-51215773-C-CT. GRCh37 (hg19) VCF-style: chr15-51507970-C-CT.
Other names: c.787dup, p.Arg263fs (NM_001347248.1, NM_001347249.2, NM_001347250.2 and 7 more transcripts); short protein forms R263fs.
Identifiers: ClinVar variation 2100852 (VCV002100852.4), dbSNP rs1595671510, ClinGen allele CA2580089751.